The following is an entry in ClinVar:

NM_001371623.1(TCOF1):c.1330A>G (p.Lys444Glu)

Gene: TCOF1 (treacle ribosome biogenesis factor 1; plus strand). Cytogenetic location: 5q32.
Variant type: single nucleotide variant.
Coding change: c.1330A>G on transcript NM_001371623.1 (MANE Select); coding-DNA position 1330, A replaced by G.
Protein change: p.Lys444Glu; replaces lysine 444 with glutamic acid.
Molecular consequence: missense variant.
Genome position (GRCh38, 1-based): chr5:150,375,005, A>G. VCF-style: chr5-150375005-A-G. GRCh37 (hg19) VCF-style: chr5-149754568-A-G.
Other names: c.1099A>G, p.Lys367Glu (NM_000356.4, NM_001135245.2, NM_001437406.1); c.1330A>G, p.Lys444Glu (NM_001008657.3, NM_001135243.2, NM_001135244.2 and 1 more transcripts); short protein forms K367E, K444E.
Identifiers: ClinVar variation 4977284 (VCV004977284.1).

ClinVar aggregate classification (germline): Uncertain significance (1 of 4 stars; one submission).

Conditions:
TCOF1-related disorder. Also called: TCOF1-related condition.

gnomAD v4.1: 5 of 1,613,810 alleles (0.00031%); highest among the groups gnomAD compares: Non-Finnish European, 0.00034%; no homozygotes.

Submission:

PreventionGenetics, part of Exact Sciences
Classification: Uncertain significance for TCOF1-related condition. Last evaluated: 2025-11-22. Review status: criteria provided, single submitter. Criteria: ACMG Guidelines, 2015. Collection method: clinical testing. Allele origin: germline.
Comment: The TCOF1 c.1330A>G variant is predicted to result in the amino acid substitution p.Lys444Glu. To our knowledge, this variant has not been reported in the literature. This variant is reported in 0.0018% of alleles in individuals of European (Non-Finnish) descent in gnomAD. At this time, the clinical significance of this variant is uncertain due to the absence of conclusive functional and genetic evidence.